The following is an entry in ClinVar:

ClinVar aggregate classification (germline): Uncertain significance (1 of 4 stars; one submission).

Allele frequency attached by ClinVar (database versions not stated): gnomAD exomes below 0.00001.
gnomAD v4.1: 1 of 1,599,912 alleles (0.000063%); highest among the groups gnomAD compares: Non-Finnish European, 0.000085%; no homozygotes.

Submission:

GeneDx
Classification: Uncertain significance. Last evaluated: 2022-12-28. Review status: criteria provided, single submitter. Criteria: GeneDx Variant Classification Process June 2021. Collection method: clinical testing. Allele origin: germline. Affected: yes.
Comment: Not observed at significant frequency in large population cohorts (gnomAD); In silico analysis supports that this missense variant does not alter protein structure/function; Has not been previously published as pathogenic or benign to our knowledge

NM_001615.4(ACTG2):c.637A>G (p.Ile213Val)

Gene: ACTG2 (actin gamma 2, smooth muscle; plus strand). Cytogenetic location: 2p13.1.
Variant type: single nucleotide variant.
Coding change: c.637A>G on transcript NM_001615.4 (MANE Select); coding-DNA position 637, A replaced by G.
Protein change: p.Ile213Val; replaces isoleucine 213 with valine.
Molecular consequence: missense variant.
Genome position (GRCh38, 1-based): chr2:73,914,703, A>G. VCF-style: chr2-73914703-A-G. GRCh37 (hg19) VCF-style: chr2-74141830-A-G.
Other names: c.508A>G, p.Ile170Val (NM_001199893.2); short protein forms I170V, I213V.
Identifiers: ClinVar variation 2571828 (VCV002571828.1), dbSNP rs1680222670, ClinGen allele CA347304148.